The following is an entry in ClinVar:

NM_015001.3(SPEN):c.7782dup (p.Glu2595Ter)

Gene: SPEN (spen family transcriptional repressor; plus strand). Cytogenetic location: 1p36.13.
Variant type: Duplication.
Coding change: c.7782dup on transcript NM_015001.3 (MANE Select); coding-DNA position 7782, one base duplicated (T; older notation c.7782dupT).
Protein change: p.Glu2595Ter; replaces glutamic acid 2595 with a stop codon.
Molecular consequence: nonsense.
Genome position (GRCh38, 1-based): chr1:15,934,022, T duplicated. VCF-style (leftmost placement, unchanged base first): chr1-15934021-C-CT. GRCh37 (hg19) VCF-style: chr1-16260516-C-CT.
Other names: short protein forms E2595*.
Identifiers: ClinVar variation 4856822 (VCV004856822.2).
Genomic context (GRCh38, chr1:15,934,021, plus strand): 5'-CGCCAGTTGACTCTAAAAAGCCTTTAGAAGAAAAAACAGCACCTCCAGTGACAAACAACT[C>CT]TGAGATACAAGCCTCGGAGGTGCTGGTAGCTGCTGACAAGGAAAAGGTGGCTCCAGTCAT-3'

ClinVar aggregate classification (germline): Likely pathogenic (1 of 4 stars; one submission).

Submission:

Dasa
Classification: Likely pathogenic. Last evaluated: 2025-11-19. Review status: criteria provided, single submitter. Criteria: DASA Assertion Criteria. Collection method: clinical testing. Allele origin: germline.
Comment: NM_015001.3(SPEN):c.7782dup (p.Glu2595*) is a nonsense variant in SPEN predicted to introduce a premature termination codon and is predicted to result in an absent or altered protein product. Loss of function is an established disease mechanism for SPEN (PMID: 33596411; PMID: 25363768; PMID: 27525107). Also, this variant is absent from population databases. Based on the currently available evidence, this variant is classified as likely pathogenic.

Literature cited by the submitters: PubMed 33596411; PubMed 25363768; PubMed 27525107.